The following is an entry in ClinVar:

ClinVar aggregate classification (germline): Uncertain significance (1 of 4 stars; one submission).

Conditions:
Hereditary cancer-predisposing syndrome. Also called: Hereditary neoplastic syndrome; Tumor predisposition; Hereditary Cancer Syndrome; Neoplastic Syndromes, Hereditary. Identifiers: Orphanet 140162, MedGen C0027672, MeSH D009386, MONDO:0015356.

Submission:

Color Diagnostics, LLC DBA Color Health
Classification: Uncertain significance for Hereditary cancer-predisposing syndrome. Last evaluated: 2023-12-04. Review status: criteria provided, single submitter. Criteria: ACMG Guidelines, 2015. Collection method: clinical testing. Allele origin: germline.
Comment: This missense variant replaces alanine with valine at codon 60 of the SMAD4 protein. Computational prediction suggests that this variant may have deleterious impact on protein structure and function (internally defined REVEL score threshold >= 0.7, PMID: 27666373). To our knowledge, functional studies have not been reported for this variant. This variant has not been reported in individuals affected with SMAD4-related disorders in the literature. This variant has not been identified in the general population by the Genome Aggregation Database (gnomAD). The available evidence is insufficient to determine the role of this variant in disease conclusively. Therefore, this variant is classified as a Variant of Uncertain Significance.

NM_005359.6(SMAD4):c.179C>T (p.Ala60Val)

Gene: SMAD4 (SMAD family member 4; plus strand). Cytogenetic location: 18q21.2.
Variant type: single nucleotide variant.
Coding change: c.179C>T on transcript NM_005359.6 (MANE Select); coding-DNA position 179, C replaced by T.
Protein change: p.Ala60Val; replaces alanine 60 with valine.
Molecular consequence: missense variant.
Genome position (GRCh38, 1-based): chr18:51,047,225, C>T. VCF-style: chr18-51047225-C-T. GRCh37 (hg19) VCF-style: chr18-48573595-C-T.
Other names: short protein forms A60V.
Identifiers: ClinVar variation 492474 (VCV000492474.6), dbSNP rs1555685030, ClinGen allele CA402457958.